The following is an entry in ClinVar:

ClinVar aggregate classification (germline): Uncertain significance. Review status: criteria provided, multiple submitters, no conflicts (2 of 4 stars). 3 submissions from 3 submitters: Uncertain significance (3). Last evaluated 2024-03-24.

Conditions:
Cardiomyopathy (CMYO). Also called: Cardiomyopathies. Identifiers: Orphanet 167848, MedGen C0878544, MONDO:0004994, HP:0001638. Inheritance: Various modes of inheritance.
Arrhythmogenic right ventricular cardiomyopathy (ARVD). Also called: Cardiomyopathy, ARVC; Arrhythmogenic right ventricular dysplasia; Arrhythmogenic cardiomyopathy; Arrhythmogenic Right Ventricular Cardiomyopathy (ARVC). Identifiers: Orphanet 247, MedGen C0349788, MeSH D019571, MONDO:0016587. Disease mechanism: loss of function. Inheritance: Various modes of inheritance.
Arrhythmogenic right ventricular dysplasia 9 (ARVD9). Also called: Arrhythmogenic Right Ventricular Dysplasia/Cardiomyopathy 9; ARRHYTHMOGENIC RIGHT VENTRICULAR DYSPLASIA, FAMILIAL, 9. Identifiers: MedGen C1836906, MONDO:0012180, OMIM 609040.

Allele frequency attached by ClinVar (database versions not stated): gnomAD exomes below 0.00001; TOPMed below 0.00001; gnomAD 0.00001.
gnomAD v4.1: 3 of 1,614,086 alleles (0.00019%); highest among the groups gnomAD compares: Non-Finnish European, 0.00025%; no homozygotes.

Submissions (3):

All of Us Research Program, National Institutes of Health
Classification: Uncertain significance for Arrhythmogenic right ventricular cardiomyopathy. Last evaluated: 2024-03-24. Review status: criteria provided, single submitter. Criteria: ACMG Guidelines, 2015. Collection method: clinical testing. Allele origin: germline. Inheritance: Autosomal dominant inheritance. Observed: 1 variant allele, 1 heterozygote.
Comment: This missense variant replaces isoleucine with valine at codon 632 of the PKP2 protein. Computational prediction suggests that this variant may not impact protein structure and function (internally defined REVEL score threshold <= 0.5, PMID: 27666373). To our knowledge, functional studies have not been reported for this variant. This variant has not been reported in individuals affected with cardiovascular disorders in the literature. This variant has not been identified in the general population by the Genome Aggregation Database (gnomAD). The available evidence is insufficient to determine the role of this variant in disease conclusively. Therefore, this variant is classified as a Variant of Uncertain Significance.

This study involves interpretation of variants in research participants for the purpose of population health screening. Participant phenotype was not available at the time of variant classification. Additional details can be found in publication PMID: 35346344, PMCID: PMC8962531

Color Diagnostics, LLC DBA Color Health
Classification: Uncertain significance for Cardiomyopathy. Last evaluated: 2024-03-06. Review status: criteria provided, single submitter. Criteria: ACMG Guidelines, 2015. Collection method: clinical testing. Allele origin: germline.
Comment: This missense variant replaces isoleucine with valine at codon 632 of the PKP2 protein. Computational prediction suggests that this variant may not impact protein structure and function (internally defined REVEL score threshold <= 0.5, PMID: 27666373). To our knowledge, functional studies have not been reported for this variant. This variant has not been reported in individuals affected with cardiovascular disorders in the literature. This variant has not been identified in the general population by the Genome Aggregation Database (gnomAD). The available evidence is insufficient to determine the role of this variant in disease conclusively. Therefore, this variant is classified as a Variant of Uncertain Significance.

Labcorp Genetics (formerly Invitae), Labcorp
Classification: Uncertain significance for Arrhythmogenic right ventricular dysplasia 9. Last evaluated: 2021-08-27. Review status: criteria provided, single submitter. Criteria: Invitae Variant Classification Sherloc (09022015). Collection method: clinical testing. Allele origin: germline.
Comment: This sequence change replaces isoleucine with valine at codon 632 of the PKP2 protein (p.Ile632Val). The isoleucine residue is weakly conserved and there is a small physicochemical difference between isoleucine and valine. This variant is not present in population databases (ExAC no frequency). This variant has not been reported in the literature in individuals affected with PKP2-related conditions. Algorithms developed to predict the effect of missense changes on protein structure and function output the following: SIFT: "Tolerated"; PolyPhen-2: "Benign"; Align-GVGD: "Class C0". The valine amino acid residue is found in multiple mammalian species, which suggests that this missense change does not adversely affect protein function. In summary, the available evidence is currently insufficient to determine the role of this variant in disease. Therefore, it has been classified as a Variant of Uncertain Significance.

NM_001005242.3(PKP2):c.1762A>G (p.Ile588Val)

Gene: PKP2 (plakophilin 2; minus strand). Cytogenetic location: 12p11.21.
Variant type: single nucleotide variant.
Coding change: c.1762A>G on transcript NM_001005242.3 (MANE Select); coding-DNA position 1762, A replaced by G.
Protein change: p.Ile588Val; replaces isoleucine 588 with valine.
Molecular consequence: missense variant.
Genome position (GRCh38, 1-based): chr12:32,822,544, T>C on the plus strand (A>G on the coding strand, the complement: PKP2 is on the minus strand). VCF-style: chr12-32822544-T-C. GRCh37 (hg19) VCF-style: chr12-32975478-T-C.
Other names: c.1894A>G, p.Ile632Val (NM_004572.4); short protein forms I588V, I632V.
Identifiers: ClinVar variation 1019090 (VCV001019090.10), dbSNP rs1169362109, ClinGen allele CA384363099.